The following is an entry in ClinVar:

NM_000384.3(APOB):c.9824C>T (p.Pro3275Leu)

Gene: APOB (apolipoprotein B; minus strand). Cytogenetic location: 2p24.1.
Variant type: single nucleotide variant.
Coding change: c.9824C>T on transcript NM_000384.3 (MANE Select); coding-DNA position 9824, C replaced by T.
Protein change: p.Pro3275Leu; replaces proline 3275 with leucine.
Molecular consequence: missense variant.
Genome position (GRCh38, 1-based): chr2:21,007,044, G>A on the plus strand (C>T on the coding strand, the complement: APOB is on the minus strand). VCF-style: chr2-21007044-G-A. GRCh37 (hg19) VCF-style: chr2-21229916-G-A.
Other names: short protein forms P3275L.
Identifiers: ClinVar variation 1768328 (VCV001768328.2), dbSNP rs1572779374, ClinGen allele CA345988631.

ClinVar aggregate classification (germline): Uncertain significance (1 of 4 stars; one submission).

Conditions:
Cardiovascular phenotype. Identifiers: MedGen CN230736.

Submission:

Ambry Genetics
Classification: Uncertain significance for Cardiovascular phenotype. Last evaluated: 2020-09-08. Review status: criteria provided, single submitter. Criteria: Ambry Variant Classification Scheme 2023. Collection method: clinical testing. Allele origin: germline.
Comment: The p.P3275L variant (also known as c.9824C>T), located in coding exon 26 of the APOB gene, results from a C to T substitution at nucleotide position 9824. The proline at codon 3275 is replaced by leucine, an amino acid with similar properties. This amino acid position is well conserved in available vertebrate species; however, leuine is the reference amino acid in other vertebrate species. In addition, this alteration is predicted to be tolerated by in silico analysis. Since supporting evidence is limited at this time, the clinical significance of this alteration remains unclear.